The following is an entry in ClinVar:

NM_002432.3(MNDA):c.475C>T (p.Pro159Ser)

Gene: MNDA (myeloid cell nuclear differentiation antigen; plus strand). Cytogenetic location: 1q23.1.
Variant type: single nucleotide variant.
Coding change: c.475C>T on transcript NM_002432.3 (MANE Select); coding-DNA position 475, C replaced by T.
Protein change: p.Pro159Ser; replaces proline 159 with serine.
Molecular consequence: missense variant.
Genome position (GRCh38, 1-based): chr1:158,844,027, C>T. VCF-style: chr1-158844027-C-T. GRCh37 (hg19) VCF-style: chr1-158813817-C-T.
Other names: short protein forms P159S.
Identifiers: ClinVar variation 3397271 (VCV003397271.1).

ClinVar aggregate classification (germline): Uncertain significance (1 of 4 stars; one submission).

gnomAD v4.1: 1 of 1,613,804 alleles (0.000062%); no homozygotes.

Submission:

Ambry Genetics
Classification: Uncertain significance. Last evaluated: 2024-07-01. Review status: criteria provided, single submitter. Criteria: Ambry Variant Classification Scheme 2023. Collection method: clinical testing. Allele origin: germline.
Comment: The p.P159S variant (also known as c.475C>T), located in coding exon 3 of the MNDA gene, results from a C to T substitution at nucleotide position 475. The proline at codon 159 is replaced by serine, an amino acid with similar properties. This amino acid position is conserved. In addition, this alteration is predicted to be tolerated by in silico analysis. Based on the available evidence, the clinical significance of this variant remains unclear.